The following is an entry in ClinVar:

NM_017534.6(MYH2):c.5673+1G>C

Genes: MYH2 (myosin heavy chain 2; minus strand), MYHAS (myosin heavy chain gene cluster antisense RNA; plus strand). Cytogenetic location: 17p13.1.
Variant type: single nucleotide variant.
Coding change: c.5673+1G>C on transcript NM_017534.6 (MANE Select); the canonical splice donor site of the intron after coding-DNA position 5673, G replaced by C.
Molecular consequence: splice donor variant.
Genome position (GRCh38, 1-based): chr17:10,523,089, C>G on the plus strand (G>C on the coding strand, the complement: MYH2 is on the minus strand). VCF-style: chr17-10523089-C-G. GRCh37 (hg19) VCF-style: chr17-10426406-C-G.
Other names: c.5673+1G>C (NM_001100112.2).
Identifiers: ClinVar variation 636251 (VCV000636251.14), dbSNP rs1400481053, ClinGen allele CA398113265.

ClinVar aggregate classification (germline): Pathogenic/Likely pathogenic. Review status: criteria provided, multiple submitters, no conflicts (2 of 4 stars). 4 submissions from 4 submitters: Pathogenic (2); Likely pathogenic (2). Last evaluated 2023-05-22.

Conditions:
Myopathy, proximal, and ophthalmoplegia (CMYO6). Also called: INCLUSION BODY MYOPATHY 3, AUTOSOMAL DOMINANT; CONGENITAL MYOPATHY 6 WITH OPHTHALMOPLEGIA; MYOPATHY WITH CONGENITAL JOINT CONTRACTURES, OPHTHALMOPLEGIA, AND RIMMED VACUOLES. Identifiers: Orphanet 363677, Orphanet 79091, MedGen C1854106, MONDO:0011577, OMIM 605637.
MYH2-related disorder. Also called: MYH2-related condition.

Submissions (4):

Labcorp Genetics (formerly Invitae), Labcorp
Classification: Pathogenic for Myopathy, proximal, and ophthalmoplegia. Last evaluated: 2023-05-22. Review status: criteria provided, single submitter. Criteria: Invitae Variant Classification Sherloc (09022015). Collection method: clinical testing. Allele origin: germline.
Comment: This variant is not present in population databases (gnomAD no frequency). Disruption of this splice site has been observed in individuals with autosomal dominant myopathy (PMID: 36774715; Invitae). It has also been observed to segregate with disease in related individuals. ClinVar contains an entry for this variant (Variation ID: 636251). Variants that disrupt the consensus splice site are a relatively common cause of aberrant splicing (PMID: 17576681, 9536098). Studies have shown that disruption of this splice site is associated with altered splicing resulting in multiple RNA products (PMID: 36774715). For these reasons, this variant has been classified as Pathogenic. This sequence change affects a donor splice site in intron 39 of the MYH2 gene. While this variant is not anticipated to result in nonsense mediated decay, it likely alters RNA splicing and results in a disrupted protein product.

Revvity Omics, Revvity
Classification: Likely pathogenic for Myopathy, proximal, and ophthalmoplegia. Last evaluated: 2019-05-07. Review status: criteria provided, single submitter. Criteria: ACMG Guidelines, 2015. Collection method: clinical testing. Allele origin: germline.

Undiagnosed Diseases Network, NIH
Classification: Likely pathogenic for Myopathy, proximal, and ophthalmoplegia. Last evaluated: 2019-02-04. Review status: criteria provided, single submitter. Criteria: ACMG Guidelines, 2015. Collection method: clinical testing. Allele origin: maternal. Inheritance: Autosomal dominant inheritance. Affected: yes. Observed: 1 variant allele, 1 heterozygote.
Comment: A heterozygous c.5673+1G>C variant in the MYH2 gene was detected by exome sequencing and confirmed by Sanger sequencing. Sanger sequencing also showed that this change co-segregate within the family.

Rady Children's Institute for Genomic Medicine, Rady Children's Hospital San Diego
Classification: Pathogenic for MYH2 related disorder. Review status: criteria provided, single submitter. Criteria: ACMG Guidelines, 2015. Collection method: clinical testing. Allele origin: germline. Affected: yes.
Comment: This variant affects the canonical splice donor site of intron 39 and is therefore predicted to interfere with splicing and result in loss of normal protein function through either protein truncation or nonsense-mediated mRNA decay (NMD). This variant has been reported in the ClinVar database (Variation ID: 636251) as a heterozygous change shown to co-segregate in a family with individuals affected with autosomal dominant proximal myopathy and ophthalmoplegia (OMIM: #605637). It is absent from the gnomAD population database and thus is presumed to be rare. In silico analyses support a deleterious effect of the c.5673+1G>C variant on protein function. Based on the available evidence, the c.5673+1G>C variant is classified as Pathogenic.

Literature cited by the submitters: PubMed 36774715 (cited by Labcorp Genetics (formerly Invitae), Labcorp); PubMed 17576681 (cited by Labcorp Genetics (formerly Invitae), Labcorp); PubMed 9536098 (cited by Labcorp Genetics (formerly Invitae), Labcorp).